The following is an entry in ClinVar:

NM_000548.5(TSC2):c.2148C>T (p.Ser716=)

Gene: TSC2 (TSC complex subunit 2; plus strand). Cytogenetic location: 16p13.3.
Variant type: single nucleotide variant.
Coding change: c.2148C>T on transcript NM_000548.5 (MANE Select); coding-DNA position 2148, C replaced by T.
Protein change: p.Ser716=; no amino-acid change (serine 716 retained).
Molecular consequence: synonymous variant. On other transcripts: non-coding transcript variant (5).
Genome position (GRCh38, 1-based): chr16:2,072,291, C>T. VCF-style: chr16-2072291-C-T. GRCh37 (hg19) VCF-style: chr16-2122292-C-T.
Other names: c.2091C>T, p.Ser697= (NM_001406677.1); c.2037C>T, p.Ser679= (NM_001406678.1, NM_001318827.2, NM_001406670.1); c.2001C>T, p.Ser667= (NM_001406679.1, NM_001318829.2, NM_001406675.1 and 1 more transcripts); c.1548C>T, p.Ser516= (NM_001406680.1, NM_001406682.1, NM_001406683.1 and 6 more transcripts); c.1686C>T, p.Ser562= (NM_001406681.1); c.804C>T, p.Ser268= (NM_001406689.1, NM_001406690.1, NM_001406691.1 and 6 more transcripts); c.2148C>T, p.Ser716= (NM_001077183.3, NM_001114382.3, NM_001363528.2 and 6 more transcripts); c.2181C>T, p.Ser727= (NM_001318832.2); and 3 more.
Identifiers: ClinVar variation 3386167 (VCV003386167.4).
Genomic context (GRCh38, chr16:2,072,291, plus strand): 5'-CTCCTCGCAGGAGTCTGACTGGAAGGTGCTGAAGCTGGTTCTGGGCAGGCTGCCTGAGTC[C>T]CTGCGCTATAAAGTGCTCATCTTTACTTCCCCTTGCAGTGTGGACCAGCTGTGCTCTGCT-3'
Protein context (NP_000539.2, residues 706-726): LKLVLGRLPE[Ser716=]LRYKVLIFTS

ClinVar aggregate classification (germline): Benign/Likely benign. Review status: criteria provided, multiple submitters, no conflicts (2 of 4 stars). 3 submissions from 3 submitters: Benign (1); Likely benign (2). Last evaluated 2025-05-19.

Conditions:
Tuberous sclerosis 2 (TSC2). Identifiers: Orphanet 805, MedGen C1860707, MONDO:0013199, OMIM 613254.
Tuberous sclerosis syndrome (TSC). Also called: Tuberous Sclerosis Complex; Tuberous sclerosis. Identifiers: Orphanet 805, MedGen C0041341, MONDO:0001734.

Submissions (3):

Myriad Genetics, Inc.
Classification: Benign for Tuberous sclerosis 2. Last evaluated: 2025-05-19. Review status: criteria provided, single submitter. Criteria: Myriad Autosomal Dominant, Autosomal Recessive and X-Linked Classification Criteria (2023). Collection method: clinical testing. Allele origin: unknown.
Comment: This variant is considered benign. This variant is a silent/synonymous amino acid change and it is not expected to impact splicing.

Labcorp Genetics (formerly Invitae), Labcorp
Classification: Likely benign for Tuberous sclerosis 2. Last evaluated: 2024-06-03. Review status: criteria provided, single submitter. Criteria: Invitae Variant Classification Sherloc (09022015). Collection method: clinical testing. Allele origin: germline.

All of Us Research Program, National Institutes of Health
Classification: Likely benign for Tuberous sclerosis syndrome. Last evaluated: 2024-04-16. Review status: criteria provided, single submitter. Criteria: ACMG Guidelines, 2015. Collection method: clinical testing. Allele origin: germline. Inheritance: Autosomal dominant inheritance. Observed: 1 variant allele, 1 heterozygote.
Comment: This study involves interpretation of variants in research participants for the purpose of population health screening. Participant phenotype was not available at the time of variant classification. Additional details can be found in publication PMID: 35346344, PMCID: PMC8962531